The following is an entry in ClinVar:

ClinVar aggregate classification (germline): Uncertain significance (1 of 4 stars; one submission).

Conditions:
Progressive sclerosing poliodystrophy (MTDPS4A). Also called: ALPERS PROGRESSIVE INFANTILE POLIODYSTROPHY; NEURONAL DEGENERATION OF CHILDHOOD WITH LIVER DISEASE, PROGRESSIVE; Alpers Syndrome; ALPERS DIFFUSE DEGENERATION OF CEREBRAL GRAY MATTER WITH HEPATIC CIRRHOSIS; Alpers-Huttenlocher Syndrome; Mitochondrial DNA Depletion Syndrome 4A. Identifiers: Orphanet 726, MedGen C0205710, MONDO:0008758, OMIM 203700.

Allele frequency attached by ClinVar (database versions not stated): gnomAD exomes below 0.00001.
gnomAD v4.1: 2 of 1,558,732 alleles (0.00013%); highest among the groups gnomAD compares: South Asian, 0.0012%; no homozygotes.

Submission:

Labcorp Genetics (formerly Invitae), Labcorp
Classification: Uncertain significance for Progressive sclerosing poliodystrophy. Last evaluated: 2022-12-15. Review status: criteria provided, single submitter. Criteria: Invitae Variant Classification Sherloc (09022015). Collection method: clinical testing. Allele origin: germline.
Comment: In summary, the available evidence is currently insufficient to determine the role of this variant in disease. Therefore, it has been classified as a Variant of Uncertain Significance. Advanced modeling of protein sequence and biophysical properties (such as structural, functional, and spatial information, amino acid conservation, physicochemical variation, residue mobility, and thermodynamic stability) has been performed at Invitae for this missense variant, however the output from this modeling did not meet the statistical confidence thresholds required to predict the impact of this variant on POLG protein function. This variant has not been reported in the literature in individuals affected with POLG-related conditions. This variant is not present in population databases (gnomAD no frequency). This sequence change replaces lysine, which is basic and polar, with arginine, which is basic and polar, at codon 145 of the POLG protein (p.Lys145Arg).

NM_002693.3(POLG):c.434A>G (p.Lys145Arg)

Genes: POLG (DNA polymerase gamma, catalytic subunit; minus strand), POLGARF (POLG alternative reading frame; minus strand). Cytogenetic location: 15q26.1.
Variant type: single nucleotide variant.
Coding change: c.434A>G on transcript NM_002693.3 (MANE Select); coding-DNA position 434, A replaced by G.
Protein change: p.Lys145Arg; replaces lysine 145 with arginine.
Molecular consequence: missense variant.
Genome position (GRCh38, 1-based): chr15:89,333,321, T>C on the plus strand (A>G on the coding strand, the complement: POLG is on the minus strand). VCF-style: chr15-89333321-T-C. GRCh37 (hg19) VCF-style: chr15-89876552-T-C.
Other names: c.434A>G, p.Lys145Arg (NM_001126131.2); short protein forms K145R.
Identifiers: ClinVar variation 2821108 (VCV002821108.3), dbSNP rs2509275405, ClinGen allele CA393771793.